The following is an entry in ClinVar:

NM_000965.5(RARB):c.895A>G (p.Thr299Ala)

Gene: RARB (retinoic acid receptor beta; plus strand). Cytogenetic location: 3p24.2.
Variant type: single nucleotide variant.
Coding change: c.895A>G on transcript NM_000965.5 (MANE Select); coding-DNA position 895, A replaced by G.
Protein change: p.Thr299Ala; replaces threonine 299 with alanine.
Molecular consequence: missense variant. On other transcripts: non-coding transcript variant (1), intron variant (1).
Genome position (GRCh38, 1-based): chr3:25,593,611, A>G. VCF-style: chr3-25593611-A-G. GRCh37 (hg19) VCF-style: chr3-25635102-A-G.
Other names: c.787-30A>G (NM_001290277.1); c.916A>G, p.Thr306Ala (NM_001290216.3); c.559A>G, p.Thr187Ala (NM_001290217.2, NM_001290276.2, NM_016152.4); c.748A>G, p.Thr250Ala (NM_001290266.2); c.766A>G, p.Thr256Ala (NM_001290300.2); short protein forms T187A, T250A, T256A, T299A, T306A.
Identifiers: ClinVar variation 4281923 (VCV004281923.1).

ClinVar aggregate classification (germline): Uncertain significance (1 of 4 stars; one submission).

Submission:

GeneDx
Classification: Uncertain significance. Last evaluated: 2025-04-08. Review status: criteria provided, single submitter. Criteria: GeneDx Variant Classification Process June 2021. Collection method: clinical testing. Allele origin: germline. Affected: yes.
Comment: Not observed at significant frequency in large population cohorts (gnomAD); In silico analysis supports that this missense variant has a deleterious effect on protein structure/function; Has not been previously published as pathogenic or benign to our knowledge